The following is an entry in ClinVar:

ClinVar aggregate classification (germline): Uncertain significance (1 of 4 stars; one submission).

Conditions:
Arginine:glycine amidinotransferase deficiency (CCDS3). Also called: L-Arginine:Glycine Amidinotransferase Deficiency; L-Arginine:Glycine Amidinotransferase (AGAT) Deficiency; Cerebral creatine deficiency syndrome 3; AGAT deficiency; Creatine deficiency syndrome due to AGAT deficiency; GATM deficiency. Identifiers: Orphanet 35704, MedGen C2675179, MONDO:0012996, OMIM 612718.

Allele frequency attached by ClinVar (database versions not stated): TOPMed below 0.00001.

Submission:

Labcorp Genetics (formerly Invitae), Labcorp
Classification: Uncertain significance for Arginine:glycine amidinotransferase deficiency. Last evaluated: 2022-03-05. Review status: criteria provided, single submitter. Criteria: Invitae Variant Classification Sherloc (09022015). Collection method: clinical testing. Allele origin: germline.
Comment: This sequence change falls in intron 1 of the GATM gene. It does not directly change the encoded amino acid sequence of the GATM protein. It affects a nucleotide within the consensus splice site. The frequency data for this variant in the population databases is considered unreliable, as metrics indicate poor data quality at this position in the gnomAD database. This variant has not been reported in the literature in individuals affected with GATM-related conditions. Variants that disrupt the consensus splice site are a relatively common cause of aberrant splicing (PMID: 17576681, 9536098). Algorithms developed to predict the effect of sequence changes on RNA splicing suggest that this variant may disrupt the consensus splice site. In summary, the available evidence is currently insufficient to determine the role of this variant in disease. Therefore, it has been classified as a Variant of Uncertain Significance.

Literature cited by the submitters: PubMed 17576681; PubMed 9536098.

NM_001482.3(GATM):c.69+4C>T

Genes: GATM (glycine amidinotransferase; minus strand), LOC130056991 (ATAC-STARR-seq lymphoblastoid silent region 6406; plus strand). Cytogenetic location: 15q21.1.
Variant type: single nucleotide variant.
Coding change: c.69+4C>T on transcript NM_001482.3 (MANE Select); 4 bases into the intron after coding-DNA position 69, C replaced by T.
Molecular consequence: intron variant.
Genome position (GRCh38, 1-based): chr15:45,378,381, G>A on the plus strand (C>T on the coding strand, the complement: GATM is on the minus strand). VCF-style: chr15-45378381-G-A. GRCh37 (hg19) VCF-style: chr15-45670579-G-A.
Other names: c.-318-1562C>T (NM_001321015.2).
Identifiers: ClinVar variation 1910213 (VCV001910213.5), dbSNP rs1355250978, ClinGen allele CA617698500.